The following is an entry in ClinVar:

NM_000264.5(PTCH1):c.1994G>A (p.Arg665His)

Genes: PTCH1 (patched 1; minus strand), LOC100507346 (uncharacterized LOC100507346; plus strand). Cytogenetic location: 9q22.32.
Variant type: single nucleotide variant.
Coding change: c.1994G>A on transcript NM_000264.5 (MANE Select); coding-DNA position 1994, G replaced by A.
Protein change: p.Arg665His; replaces arginine 665 with histidine.
Molecular consequence: missense variant. On other transcripts: non-coding transcript variant (2).
Genome position (GRCh38, 1-based): chr9:95,469,007, C>T on the plus strand (G>A on the coding strand, the complement: PTCH1 is on the minus strand). VCF-style: chr9-95469007-C-T. GRCh37 (hg19) VCF-style: chr9-98231289-C-T.
Other names: c.1796G>A, p.Arg599His (NM_001083602.3); c.1991G>A, p.Arg664His (NM_001083603.3); c.1541G>A, p.Arg514His (NM_001083604.3, NM_001083605.3, NM_001083606.3 and 1 more transcripts); c.1838G>A, p.Arg613His (NM_001354918.2); short protein forms R599H, R665H, R664H, R514H, R613H.
Identifiers: ClinVar variation 237463 (VCV000237463.16), dbSNP rs139705799, ClinGen allele CA5138468.

ClinVar aggregate classification (germline): Benign/Likely benign. Review status: criteria provided, multiple submitters, no conflicts (2 of 4 stars). 3 submissions from 3 submitters: Benign (1); Likely benign (2). Last evaluated 2026-01-28.

Conditions:
Hereditary cancer-predisposing syndrome. Also called: Tumor predisposition; Hereditary Cancer Syndrome; Hereditary neoplastic syndrome; Neoplastic Syndromes, Hereditary. Identifiers: Orphanet 140162, MedGen C0027672, MeSH D009386, MONDO:0015356.
Gorlin syndrome. Also called: Nevoid Basal Cell Carcinoma Syndrome; Basal cell nevus syndrome. Identifiers: Orphanet 377, MedGen C0004779, MONDO:0007187.

Allele frequency attached by ClinVar (database versions not stated): gnomAD 0.00003 and 0.00004; ExAC 0.00004; gnomAD exomes 0.00004; TOPMed 0.00004; ESP Exome Variant Server 0.00015.
gnomAD v4.1: 29 of 1,613,798 alleles (0.0018%); highest among the groups gnomAD compares: Non-Finnish European, 0.0021%; no homozygotes.

Submissions (3):

Labcorp Genetics (formerly Invitae), Labcorp
Classification: Benign for Gorlin syndrome. Last evaluated: 2026-01-28. Review status: criteria provided, single submitter. Criteria: Invitae Variant Classification Sherloc (09022015). Collection method: clinical testing. Allele origin: germline.

Ambry Genetics
Classification: Likely benign for Hereditary cancer-predisposing syndrome. Last evaluated: 2022-01-06. Review status: criteria provided, single submitter. Criteria: Ambry Variant Classification Scheme 2023. Collection method: clinical testing. Allele origin: germline.

GeneDx
Classification: Likely benign. Last evaluated: 2020-05-21. Review status: criteria provided, single submitter. Criteria: GeneDx Variant Classification Process June 2021. Collection method: clinical testing. Allele origin: germline. Affected: yes.
Comment: Missense variant in a gene in which most reported pathogenic variants are truncating/loss-of-function; In silico analysis supports that this missense variant does not alter protein structure/function; Has not been previously published as pathogenic or benign to our knowledge